The following is an entry in ClinVar:

NM_024426.6(WT1):c.1053G>A (p.Thr351=)

Gene: WT1 (WT1 transcription factor; minus strand). Cytogenetic location: 11p13.
Variant type: single nucleotide variant.
Coding change: c.1053G>A on transcript NM_024426.6 (MANE Select); coding-DNA position 1053, G replaced by A.
Protein change: p.Thr351=; no amino-acid change (threonine 351 retained).
Molecular consequence: synonymous variant. On other transcripts: 5 prime UTR variant (1), non-coding transcript variant (2).
Genome position (GRCh38, 1-based): chr11:32,400,008, C>T on the plus strand (G>A on the coding strand, the complement: WT1 is on the minus strand). VCF-style: chr11-32400008-C-T. GRCh37 (hg19) VCF-style: chr11-32421554-C-T.
Other names: c.1002G>A, p.Thr334= (NM_000378.6, NM_001407045.1, NM_001407048.1 and 1 more transcripts); c.402G>A, p.Thr134= (NM_001198551.2); c.351G>A, p.Thr117= (NM_001198552.2); c.-136G>A (NM_001367854.1); c.1047G>A, p.Thr349= (NM_001407044.1); c.1053G>A, p.Thr351= (NM_001407046.1, NM_024424.5); c.930G>A, p.Thr310= (NM_001407047.1); c.879G>A, p.Thr293= (NM_001407050.1); and 2 more.
Identifiers: ClinVar variation 789371 (VCV000789371.15), dbSNP rs1260693060, ClinGen allele CA473567342.

ClinVar aggregate classification (germline): Likely benign. Review status: criteria provided, multiple submitters, no conflicts (2 of 4 stars). 4 submissions from 4 submitters: Likely benign (4). Last evaluated 2026-01-08.

Conditions:
Wilms tumor 1 (WT1). Also called: Wilms tumor, somatic. Identifiers: Orphanet 654, MedGen CN033288, MONDO:0008679, OMIM 194070.
11p partial monosomy syndrome (WAGR). Also called: WAGR syndrome; WAGR Complex; WAGR Spectrum Disorder; CHROMOSOME 11p13 DELETION SYNDROME. Identifiers: Orphanet 893, MedGen C0206115, MONDO:0008681, OMIM 194072.
Frasier syndrome. Identifiers: Orphanet 347, MedGen C0950122, MeSH D052159, MONDO:0007635, OMIM 136680.
Drash syndrome (DDS). Also called: WILMS TUMOR AND PSEUDO- OR TRUE HERMAPHRODITISM; NEPHROPATHY, WILMS TUMOR, AND GENITAL ANOMALIES. Identifiers: Orphanet 220, MedGen C0950121, MONDO:0008682, OMIM 194080.
Inborn genetic diseases. Identifiers: MedGen C0950123, MeSH D030342.

Allele frequency attached by ClinVar (database versions not stated): gnomAD 0.00001; TOPMed 0.00001; gnomAD exomes 0.00002.
gnomAD v4.1: 17 of 1,614,050 alleles (0.0011%); highest among the groups gnomAD compares: African/African-American, 0.0013%; no homozygotes.

Submissions (4):

Labcorp Genetics (formerly Invitae), Labcorp
Classification: Likely benign for Wilms tumor 1; Drash syndrome; 11p partial monosomy syndrome; Frasier syndrome. Last evaluated: 2026-01-08. Review status: criteria provided, single submitter. Criteria: Invitae Variant Classification Sherloc (09022015). Collection method: clinical testing. Allele origin: germline.

Ambry Genetics
Classification: Likely benign for Inborn genetic diseases. Last evaluated: 2024-12-07. Review status: criteria provided, single submitter. Criteria: Ambry Variant Classification Scheme 2023. Collection method: clinical testing. Allele origin: germline.

All of Us Research Program, National Institutes of Health
Classification: Likely benign for Wilms tumor 1. Last evaluated: 2023-06-28. Review status: criteria provided, single submitter. Criteria: ACMG Guidelines, 2015. Collection method: clinical testing. Allele origin: germline. Inheritance: Autosomal dominant inheritance. Observed: 2 variant alleles, 2 heterozygotes.
Comment: This study involves interpretation of variants in research participants for the purpose of population health screening. Participant phenotype was not available at the time of variant classification. Additional details can be found in publication PMID: 35346344, PMCID: PMC8962531

Color Diagnostics, LLC DBA Color Health
Classification: Likely benign for Wilms tumor 1. Last evaluated: 2023-03-30. Review status: criteria provided, single submitter. Criteria: ACMG Guidelines, 2015. Collection method: clinical testing. Allele origin: germline.